The following is an entry in ClinVar:

NM_020549.5(CHAT):c.605T>C (p.Met202Thr)

Gene: CHAT (choline O-acetyltransferase; plus strand). Cytogenetic location: 10q11.23.
Variant type: single nucleotide variant.
Coding change: c.605T>C on transcript NM_020549.5 (MANE Select); coding-DNA position 605, T replaced by C.
Protein change: p.Met202Thr; replaces methionine 202 with threonine.
Molecular consequence: missense variant.
Genome position (GRCh38, 1-based): chr10:49,620,520, T>C. VCF-style: chr10-49620520-T-C. GRCh37 (hg19) VCF-style: chr10-50828566-T-C.
Other names: c.251T>C, p.Met84Thr (NM_001142929.2, NM_001142934.2, NM_020984.4 and 2 more transcripts); c.359T>C, p.Met120Thr (NM_001142933.2); short protein forms M120T, M202T, M84T.
Identifiers: ClinVar variation 2577132 (VCV002577132.1), dbSNP rs376808313, ClinGen allele CA206625625.
Genomic context (GRCh38, chr10:49,620,520, plus strand): 5'-GGGGATGTGACGGCCTTCCCTGCCCTCCCCGGCAGGTGTCTGAGTACTGGCTGAATGACA[T>C]GTATCTCAACAACCGCCTGGCCCTGCCTGTCAACTCCAGCCCTGCCGTGATCTTTGCTCG-3'
Protein context (NP_065574.4, residues 192-212): NWVSEYWLND[Met202Thr]YLNNRLALPV

ClinVar aggregate classification (germline): Uncertain significance (1 of 4 stars; one submission).

gnomAD v4.1: 8 of 1,613,504 alleles (0.0005%); highest among the groups gnomAD compares: South Asian, 0.0011%; no homozygotes.

Submission:

Women's Health and Genetics/Laboratory Corporation of America, LabCorp
Classification: Uncertain significance. Last evaluated: 2023-07-25. Review status: criteria provided, single submitter. Criteria: LabCorp Variant Classification Summary - May 2015. Collection method: clinical testing. Allele origin: germline.
Comment: Variant summary: CHAT c.605T>C (p.Met202Thr) results in a non-conservative amino acid change located in the Choline/carnitine acyltransferase domain (IPR039551) of the encoded protein sequence. Five of five in-silico tools predict a damaging effect of the variant on protein function. The variant allele was found at a frequency of 4e-06 in 251406 control chromosomes (gnomAD). The available data on variant occurrences in the general population are insufficient to allow any conclusion about variant significance. To our knowledge, no occurrence of c.605T>C in individuals affected with Congenital Myasthenic Syndrome and no experimental evidence demonstrating its impact on protein function have been reported. No submitters have cited clinical-significance assessments for this variant to ClinVar after 2014. Based on the evidence outlined above, the variant was classified as uncertain significance.